The following is an entry in ClinVar:

NM_003835.4(RGS9):c.667G>A (p.Val223Ile)

Gene: RGS9 (regulator of G protein signaling 9; plus strand). Cytogenetic location: 17q24.1.
Variant type: single nucleotide variant.
Coding change: c.667G>A on transcript NM_003835.4 (MANE Select); coding-DNA position 667, G replaced by A.
Protein change: p.Val223Ile; replaces valine 223 with isoleucine.
Molecular consequence: missense variant.
Genome position (GRCh38, 1-based): chr17:65,189,298, G>A. VCF-style: chr17-65189298-G-A. GRCh37 (hg19) VCF-style: chr17-63185416-G-A.
Other names: c.658G>A, p.Val220Ile (NM_001081955.3, NM_001165933.2); short protein forms V223I, V220I.
Identifiers: ClinVar variation 961277 (VCV000961277.10), dbSNP rs570957320, ClinGen allele CA8717778.

ClinVar aggregate classification (germline): Conflicting classifications of pathogenicity. Review status: criteria provided, conflicting classifications (1 of 4 stars). 3 submissions from 3 submitters: Uncertain significance (2); Likely benign (1). Last evaluated 2024-11-13.

Conditions:
Inborn genetic diseases. Identifiers: MedGen C0950123, MeSH D030342.

Allele frequency attached by ClinVar (database versions not stated): ExAC 0.00003; TOPMed 0.00003; gnomAD 0.00004 and 0.00005; 1000 Genomes Project 30x 0.00016; 1000 Genomes Project 0.00020.
gnomAD v4.1: 60 of 1,612,392 alleles (0.0037%); highest among the groups gnomAD compares: East Asian, 0.018%; no homozygotes.

Submissions (3):

Blueprint Genetics
Classification: Uncertain significance. Last evaluated: 2024-11-13. Review status: criteria provided, single submitter. Criteria: ACMG Guidelines, 2015. Collection method: clinical testing. Allele origin: germline.

Labcorp Genetics (formerly Invitae), Labcorp
Classification: Uncertain significance. Last evaluated: 2024-05-20. Review status: criteria provided, single submitter. Criteria: Invitae Variant Classification Sherloc (09022015). Collection method: clinical testing. Allele origin: germline.
Comment: This sequence change replaces valine, which is neutral and non-polar, with isoleucine, which is neutral and non-polar, at codon 223 of the RGS9 protein (p.Val223Ile). This variant is present in population databases (rs570957320, gnomAD 0.02%). This variant has not been reported in the literature in individuals affected with RGS9-related conditions. ClinVar contains an entry for this variant (Variation ID: 961277). Advanced modeling of protein sequence and biophysical properties (such as structural, functional, and spatial information, amino acid conservation, physicochemical variation, residue mobility, and thermodynamic stability) performed at Invitae indicates that this missense variant is not expected to disrupt RGS9 protein function with a negative predictive value of 80%. In summary, the available evidence is currently insufficient to determine the role of this variant in disease. Therefore, it has been classified as a Variant of Uncertain Significance.

Ambry Genetics
Classification: Likely benign for Inborn genetic diseases. Last evaluated: 2023-08-15. Review status: criteria provided, single submitter. Criteria: Ambry Variant Classification Scheme 2023. Collection method: clinical testing. Allele origin: germline.